The following is an entry in ClinVar:

ClinVar aggregate classification (germline): Uncertain significance. Review status: criteria provided, multiple submitters, no conflicts (2 of 4 stars). 2 submissions from 2 submitters: Uncertain significance (2). Last evaluated 2025-07-31.

Conditions:
Mitochondrial complex II deficiency, nuclear type 1. Also called: SUCCINATE CoQ REDUCTASE DEFICIENCY. Identifiers: Orphanet 3208, MedGen C5700310, MONDO:0100294, OMIM 252011.
Pheochromocytoma/paraganglioma syndrome 5. Also called: Paragangliomas 5; SDHA-Related Hereditary Paraganglioma-Pheochromocytoma Syndrome. Identifiers: Orphanet 29072, MedGen C3279992, MONDO:0013602, OMIM 614165.
Hereditary cancer-predisposing syndrome. Also called: Neoplastic Syndromes, Hereditary; Tumor predisposition; Hereditary Cancer Syndrome; Hereditary neoplastic syndrome. Identifiers: Orphanet 140162, MedGen C0027672, MeSH D009386, MONDO:0015356.

Submissions (2):

Labcorp Genetics (formerly Invitae), Labcorp
Classification: Uncertain significance for Pheochromocytoma/paraganglioma syndrome 5; Mitochondrial complex II deficiency, nuclear type 1. Last evaluated: 2025-07-31. Review status: criteria provided, single submitter. Criteria: Invitae Variant Classification Sherloc (09022015). Collection method: clinical testing. Allele origin: germline.
Comment: This sequence change replaces arginine, which is basic and polar, with proline, which is neutral and non-polar, at codon 329 of the SDHA protein (p.Arg329Pro). This variant is not present in population databases (gnomAD no frequency). This variant has not been reported in the literature in individuals affected with SDHA-related conditions. ClinVar contains an entry for this variant (Variation ID: 2951037). Invitae Evidence Modeling of protein sequence and biophysical properties (such as structural, functional, and spatial information, amino acid conservation, physicochemical variation, residue mobility, and thermodynamic stability) indicates that this missense variant is not expected to disrupt SDHA protein function with a negative predictive value of 95%. In summary, the available evidence is currently insufficient to determine the role of this variant in disease. Therefore, it has been classified as a Variant of Uncertain Significance.

Ambry Genetics
Classification: Uncertain significance for Hereditary cancer-predisposing syndrome. Last evaluated: 2025-07-16. Review status: criteria provided, single submitter. Criteria: Ambry Variant Classification Scheme 2023. Collection method: clinical testing. Allele origin: germline.

NM_004168.4(SDHA):c.986G>C (p.Arg329Pro)

Gene: SDHA (succinate dehydrogenase complex flavoprotein subunit A; plus strand). Cytogenetic location: 5p15.33.
Variant type: single nucleotide variant.
Coding change: c.986G>C on transcript NM_004168.4 (MANE Select); coding-DNA position 986, G replaced by C.
Protein change: p.Arg329Pro; replaces arginine 329 with proline.
Molecular consequence: missense variant.
Genome position (GRCh38, 1-based): chr5:233,567, G>C. VCF-style: chr5-233567-G-C. GRCh37 (hg19) VCF-style: chr5-233682-G-C.
Other names: c.842G>C, p.Arg281Pro (NM_001294332.2); c.986G>C, p.Arg329Pro (NM_001330758.2); c.986G>C (NM_004168.2); short protein forms R281P, R329P.
Identifiers: ClinVar variation 2951037 (VCV002951037.4), dbSNP rs138265892, ClinGen allele CA359012780.